The following is an entry in ClinVar:

ClinVar aggregate classification (germline): Uncertain significance (1 of 4 stars; one submission).

Conditions:
Cardiovascular phenotype. Identifiers: MedGen CN230736.

Submission:

Ambry Genetics
Classification: Uncertain significance for Cardiovascular phenotype. Last evaluated: 2021-02-23. Review status: criteria provided, single submitter. Criteria: Ambry Variant Classification Scheme 2023. Collection method: clinical testing. Allele origin: germline.
Comment: The p.R4052S variant (also known as c.12154C>A), located in coding exon 20 of the ALMS1 gene, results from a C to A substitution at nucleotide position 12154. The arginine at codon 4052 is replaced by serine, an amino acid with dissimilar properties. This amino acid position is well conserved in available vertebrate species; however, serine is the reference amino acid in other vertebrate species. In addition, this alteration is predicted to be deleterious by in silico analysis. Since supporting evidence is limited at this time, the clinical significance of this alteration remains unclear.

NM_001378454.1(ALMS1):c.12151C>A (p.Arg4051Ser)

Genes: ALMS1 (ALMS1 centrosome and basal body associated protein; plus strand), LOC126806252 (BRD4-independent group 4 enhancer GRCh37_chr2:73828496-73829695; plus strand). Cytogenetic location: 2p13.1.
Variant type: single nucleotide variant.
Coding change: c.12151C>A on transcript NM_001378454.1 (MANE Select); coding-DNA position 12151, C replaced by A.
Protein change: p.Arg4051Ser; replaces arginine 4051 with serine.
Molecular consequence: missense variant.
Genome position (GRCh38, 1-based): chr2:73,602,221, C>A. VCF-style: chr2-73602221-C-A. GRCh37 (hg19) VCF-style: chr2-73829348-C-A.
Other names: c.12154C>A, p.Arg4052Ser (NM_015120.4); short protein forms R4051S, R4052S.
Identifiers: ClinVar variation 1751268 (VCV001751268.2), dbSNP rs201874056, ClinGen allele CA347267821.